The following is an entry in ClinVar:

ClinVar aggregate classification (germline): Uncertain significance. Review status: criteria provided, multiple submitters, no conflicts (2 of 4 stars). 2 submissions from 2 submitters: Uncertain significance (2). Last evaluated 2022-08-20.

Allele frequency attached by ClinVar (database versions not stated): gnomAD 0.00001; gnomAD exomes 0.00006 and 0.00012; ExAC 0.00015.

Submissions (2):

Labcorp Genetics (formerly Invitae), Labcorp
Classification: Uncertain significance. Last evaluated: 2022-08-20. Review status: criteria provided, single submitter. Criteria: Invitae Variant Classification Sherloc (09022015). Collection method: clinical testing. Allele origin: germline.
Comment: This sequence change replaces phenylalanine, which is neutral and non-polar, with leucine, which is neutral and non-polar, at codon 229 of the IDH3B protein (p.Phe229Leu). This variant is present in population databases (rs752597235, gnomAD 0.1%), and has an allele count higher than expected for a pathogenic variant. This variant has not been reported in the literature in individuals affected with IDH3B-related conditions. ClinVar contains an entry for this variant (Variation ID: 971237). Algorithms developed to predict the effect of missense changes on protein structure and function are either unavailable or do not agree on the potential impact of this missense change (SIFT: "Not Available"; PolyPhen-2: "Benign"; Align-GVGD: "Not Available"). Algorithms developed to predict the effect of sequence changes on RNA splicing suggest that this variant may disrupt the consensus splice site. In summary, the available evidence is currently insufficient to determine the role of this variant in disease. Therefore, it has been classified as a Variant of Uncertain Significance.

Blueprint Genetics
Classification: Uncertain significance. Last evaluated: 2022-04-22. Review status: criteria provided, single submitter. Criteria: ACMG Guidelines, 2015. Collection method: clinical testing. Allele origin: germline.

NM_006899.5(IDH3B):c.685T>C (p.Phe229Leu)

Gene: IDH3B (isocitrate dehydrogenase (NAD(+)) 3 non-catalytic subunit beta; minus strand). Cytogenetic location: 20p13.
Variant type: single nucleotide variant.
Coding change: c.685T>C on transcript NM_006899.5 (MANE Select); coding-DNA position 685, T replaced by C.
Protein change: p.Phe229Leu; replaces phenylalanine 229 with leucine.
Molecular consequence: missense variant. On other transcripts: non-coding transcript variant (1).
Genome position (GRCh38, 1-based): chr20:2,660,346, A>G on the plus strand (T>C on the coding strand, the complement: IDH3B is on the minus strand). VCF-style: chr20-2660346-A-G. GRCh37 (hg19) VCF-style: chr20-2640992-A-G.
Other names: c.685T>C, p.Phe229Leu (NM_001258384.3, NM_001330763.2, NM_174855.4); short protein forms F229L.
Identifiers: ClinVar variation 971237 (VCV000971237.8), dbSNP rs752597235, ClinGen allele CA9735199.